The following is an entry in ClinVar:

ClinVar aggregate classification (germline): Pathogenic (1 of 4 stars; one submission).

Conditions:
Multiple sulfatase deficiency (MSD). Also called: Mucosulfatidosis; Multiple Sulfatase Deficiency Disease; Sulfatidosis, Juvenile, Austin Type. Identifiers: Orphanet 585, MedGen C0268263, MONDO:0010088, OMIM 272200.

Submission:

Myriad Genetics, Inc.
Classification: Pathogenic for Multiple sulfatase deficiency. Last evaluated: 2024-11-27. Review status: criteria provided, single submitter. Criteria: Myriad Autosomal Dominant, Autosomal Recessive and X-Linked Classification Criteria (2023). Collection method: clinical testing. Allele origin: unknown.
Comment: NM_182760.3(SUMF1):c.540G>A(W180*) is expected to be pathogenic in the context of multiple sulfatase deficiency. This variant is predicted to lead to an abnormal or absent protein product due to the creation of a premature termination codon in SUMF1, a gene where loss-of-function variants are known to be pathogenic. Please note: this variant was assessed in the context of healthy population screening.

NM_182760.4(SUMF1):c.540G>A (p.Trp180Ter)

Gene: SUMF1 (sulfatase modifying factor 1; minus strand). Cytogenetic location: 3p26.1.
Variant type: single nucleotide variant.
Coding change: c.540G>A on transcript NM_182760.4 (MANE Select); coding-DNA position 540, G replaced by A.
Protein change: p.Trp180Ter; replaces tryptophan 180 with a stop codon.
Molecular consequence: nonsense.
Genome position (GRCh38, 1-based): chr3:4,420,126, C>T on the plus strand (G>A on the coding strand, the complement: SUMF1 is on the minus strand). VCF-style: chr3-4420126-C-T. GRCh37 (hg19) VCF-style: chr3-4461810-C-T.
Other names: c.465G>A, p.Trp155Ter (NM_001164674.2); c.540G>A, p.Trp180Ter (NM_001164675.2); short protein forms W155*, W180*.
Identifiers: ClinVar variation 5013821 (VCV005013821.1).